The following is an entry in ClinVar:

NM_153676.4(USH1C):c.920C>T (p.Ala307Val)

Gene: USH1C (USH1 protein network component harmonin; minus strand). Cytogenetic location: 11p15.1.
Variant type: single nucleotide variant.
Coding change: c.920C>T on transcript NM_153676.4 (MANE Select); coding-DNA position 920, C replaced by T.
Protein change: p.Ala307Val; replaces alanine 307 with valine.
Molecular consequence: missense variant. On other transcripts: non-coding transcript variant (1).
Genome position (GRCh38, 1-based): chr11:17,522,883, G>A on the plus strand (C>T on the coding strand, the complement: USH1C is on the minus strand). VCF-style: chr11-17522883-G-A. GRCh37 (hg19) VCF-style: chr11-17544430-G-A.
Other names: c.863C>T, p.Ala288Val (NM_001297764.2); c.920C>T, p.Ala307Val (NM_005709.4); short protein forms A288V, A307V.
Identifiers: ClinVar variation 2151811 (VCV002151811.1), dbSNP rs749924388, ClinGen allele CA5904792.

ClinVar aggregate classification (germline): Uncertain significance (1 of 4 stars; one submission).

Allele frequency attached by ClinVar (database versions not stated): gnomAD exomes 0.00001; TOPMed 0.00001; ExAC 0.00003.
gnomAD v4.1: 9 of 1,610,518 alleles (0.00056%); highest among the groups gnomAD compares: East Asian, 0.0067%; no homozygotes.

Submission:

Labcorp Genetics (formerly Invitae), Labcorp
Classification: Uncertain significance. Last evaluated: 2022-08-22. Review status: criteria provided, single submitter. Criteria: Invitae Variant Classification Sherloc (09022015). Collection method: clinical testing. Allele origin: germline.
Comment: This sequence change replaces alanine, which is neutral and non-polar, with valine, which is neutral and non-polar, at codon 307 of the USH1C protein (p.Ala307Val). This variant is present in population databases (rs749924388, gnomAD 0.01%). This variant has not been reported in the literature in individuals affected with USH1C-related conditions. Algorithms developed to predict the effect of missense changes on protein structure and function output the following: SIFT: "Tolerated"; PolyPhen-2: "Benign"; Align-GVGD: "Class C0". The valine amino acid residue is found in multiple mammalian species, which suggests that this missense change does not adversely affect protein function. Algorithms developed to predict the effect of sequence changes on RNA splicing suggest that this variant may create or strengthen a splice site. In summary, the available evidence is currently insufficient to determine the role of this variant in disease. Therefore, it has been classified as a Variant of Uncertain Significance.